The following is an entry in ClinVar:

ClinVar aggregate classification (germline): Uncertain significance. Review status: criteria provided, multiple submitters, no conflicts (2 of 4 stars). 4 submissions from 4 submitters: Uncertain significance (3). 1 of the submissions does not count toward it. Last evaluated 2025-02-28.

Conditions:
Inborn genetic diseases. Identifiers: MedGen C0950123, MeSH D030342.
Polyglandular autoimmune syndrome, type 1 (APS1). Also called: Whitaker syndrome; APS I; Autoimmune polyendocrinopathy syndrome , type I, with or without reversible metaphyseal dysplasia; HYPOADRENOCORTICISM WITH HYPOPARATHYROIDISM AND SUPERFICIAL MONILIASIS; Autoimmune polyendocrinopathy syndrome, type I; Autoimmune polyendocrine syndrome type 1. Identifiers: Orphanet 3453, MedGen C0085859, MONDO:0009411, OMIM 240300.

Allele frequency attached by ClinVar (database versions not stated): gnomAD exomes below 0.00001; gnomAD 0.00001; TOPMed 0.00002.
gnomAD v4.1: 10 of 1,596,718 alleles (0.00063%); highest among the groups gnomAD compares: African/African-American, 0.012%; no homozygotes.

Submissions (4):

Ambry Genetics
Classification: Uncertain significance for Inborn genetic diseases. Last evaluated: 2025-02-28. Review status: criteria provided, single submitter. Criteria: Ambry Variant Classification Scheme 2023. Collection method: clinical testing. Allele origin: germline.

Labcorp Genetics (formerly Invitae), Labcorp
Classification: Uncertain significance for Polyglandular autoimmune syndrome, type 1. Last evaluated: 2022-10-27. Review status: criteria provided, single submitter. Criteria: Invitae Variant Classification Sherloc (09022015). Collection method: clinical testing. Allele origin: germline.
Comment: In summary, the available evidence is currently insufficient to determine the role of this variant in disease. Therefore, it has been classified as a Variant of Uncertain Significance. Advanced modeling of protein sequence and biophysical properties (such as structural, functional, and spatial information, amino acid conservation, physicochemical variation, residue mobility, and thermodynamic stability) has been performed at Invitae for this missense variant, however the output from this modeling did not meet the statistical confidence thresholds required to predict the impact of this variant on AIRE protein function. ClinVar contains an entry for this variant (Variation ID: 377458). This variant has not been reported in the literature in individuals affected with AIRE-related conditions. This variant is present in population databases (no rsID available, gnomAD 0.007%). This sequence change replaces cysteine, which is neutral and slightly polar, with arginine, which is basic and polar, at codon 449 of the AIRE protein (p.Cys449Arg).

GeneDx
Classification: Uncertain significance. Last evaluated: 2016-09-07. Review status: criteria provided, single submitter. Criteria: GeneDx Variant Classification (06012015). Collection method: clinical testing. Allele origin: germline. Affected: yes.
Comment: The C449R variant in the AIRE gene has not been published as a pathogenic variant, nor has it been reported as a benign variant to our knowledge. The C449R variant was not observed in approximately 6500 individuals of European and African American ancestry in the NHLBI Exome Sequencing Project, indicating it is not a common benign variant in these populations. The C449R variant is a non-conservative amino acid substitution, which is likely to impact secondary protein structure as these residues differ in polarity, charge, size and/or other properties. This substitution occurs at a position that is conserved across species, and in silico analysis predicts this variant is probably damaging to the protein structure/function. We interpret C449R as a variant of uncertain significance.

Natera, Inc.
Classification: Uncertain significance for Polyglandular autoimmune syndrome type 1. Last evaluated: 2020-09-16. Review status: no assertion criteria provided. Collection method: clinical testing. Allele origin: germline. Not counted in ClinVar's aggregate classification.

NM_000383.4(AIRE):c.1345T>C (p.Cys449Arg)

Gene: AIRE (autoimmune regulator; plus strand). Cytogenetic location: 21q22.3.
Variant type: single nucleotide variant.
Coding change: c.1345T>C on transcript NM_000383.4 (MANE Select); coding-DNA position 1345, T replaced by C.
Protein change: p.Cys449Arg; replaces cysteine 449 with arginine.
Molecular consequence: missense variant.
Genome position (GRCh38, 1-based): chr21:44,293,855, T>C. VCF-style: chr21-44293855-T-C. GRCh37 (hg19) VCF-style: chr21-45713738-T-C.
Other names: c.1345T>C (LRG_18t1); short protein forms C449R.
Identifiers: ClinVar variation 377458 (VCV000377458.8), dbSNP rs957681340, ClinGen allele CA16608559.